The following is an entry in ClinVar:

ClinVar aggregate classification (germline): Pathogenic (1 of 4 stars; one submission).

Submission:

ISCA site 4
Classification: Pathogenic. Last evaluated: 2011-08-12. Review status: criteria provided, single submitter. Criteria: Kaminsky et al. (Genet Med. 2011). Collection method: clinical testing. Allele origin: unknown. Affected: yes. Observed: 2 variant alleles.
Comment: Copy number variation identified through the course of routine clinical cytogenomic testing in postnatal populations. Clinical assertions have been curated as described in Kaminsky et al. 2011.

GRCh38/hg38 17q21.31(chr17:45629520-46661960)x1

Genes: ARL17A (ADP ribosylation factor like GTPase 17A; minus strand), ARL17B (ADP ribosylation factor like GTPase 17B; minus strand), CRHR1 (corticotropin releasing hormone receptor 1), FAM215B (family with sequence similarity 215 member B; minus strand), KANSL1 (KAT8 regulatory NSL complex subunit 1) and 16 more. Cytogenetic location: 17q21.31.
Variant type: copy number loss.
Change: copy number 1 (one copy instead of two) of chr17:45,629,520-46,661,960 (1.03 Mb, GRCh38 coordinates, 1-based), cytogenetic band 17q21.31.
Identifiers: ClinVar variation 57050 (VCV000057050.1).